The following is an entry in ClinVar:

ClinVar aggregate classification (germline): Likely benign (0 of 4 stars; one submission).

Conditions:
ISL1-related disorder. Also called: ISL1-related condition.

Allele frequency attached by ClinVar (database versions not stated): ExAC 0.00003; TOPMed 0.00008; gnomAD exomes 0.00009; gnomAD 0.00011; ESP Exome Variant Server 0.00015; 1000 Genomes Project 30x 0.00016; 1000 Genomes Project 0.00020.
gnomAD v4.1: 149 of 1,614,188 alleles (0.0092%); highest among the groups gnomAD compares: Non-Finnish European, 0.012%; no homozygotes.

Submission:

PreventionGenetics, part of Exact Sciences
Classification: Likely benign for ISL1-related condition. Last evaluated: 2021-09-03. Review status: no assertion criteria provided. Collection method: clinical testing. Allele origin: germline.
Comment: This variant is classified as likely benign based on ACMG/AMP sequence variant interpretation guidelines (Richards et al. 2015 PMID: 25741868, with internal and published modifications).

NM_002202.3(ISL1):c.715C>A (p.Arg239=)

Gene: ISL1 (ISL LIM homeobox 1; plus strand). Cytogenetic location: 5q11.1.
Variant type: single nucleotide variant.
Coding change: c.715C>A on transcript NM_002202.3 (MANE Select); coding-DNA position 715, C replaced by A.
Protein change: p.Arg239=; no amino-acid change (arginine 239 retained).
Molecular consequence: synonymous variant.
Genome position (GRCh38, 1-based): chr5:51,389,882, C>A. VCF-style: chr5-51389882-C-A. GRCh37 (hg19) VCF-style: chr5-50685716-C-A.
Identifiers: ClinVar variation 3031954 (VCV003031954.2), dbSNP rs199639357, ClinGen allele CA3261048.